The following is an entry in ClinVar:

ClinVar aggregate classification (germline): Likely benign (1 of 4 stars; one submission).

Allele frequency attached by ClinVar (database versions not stated): 1000 Genomes Project 30x 0.00078; 1000 Genomes Project 0.00080; TOPMed 0.00196; ESP Exome Variant Server 0.00308; ExAC 0.00311; gnomAD 0.00337.
gnomAD v4.1: 4,812 of 1,611,900 alleles (0.3%); highest among the groups gnomAD compares: Non-Finnish European, 0.33%; 29 homozygotes.

Submission:

CeGaT Center for Human Genetics Tuebingen
Classification: Likely benign. Last evaluated: 2023-07-01. Review status: criteria provided, single submitter. Criteria: CeGaT Center For Human Genetics Tuebingen Variant Classification Criteria Version 2. Collection method: clinical testing. Allele origin: germline. Affected: yes. Observed: 2 variant alleles.
Comment: CSPG4: BP4, BS2

NM_001897.5(CSPG4):c.2035A>G (p.Met679Val)

Gene: CSPG4 (chondroitin sulfate proteoglycan 4; minus strand). Cytogenetic location: 15q24.2.
Variant type: single nucleotide variant.
Coding change: c.2035A>G on transcript NM_001897.5 (MANE Select); coding-DNA position 2035, A replaced by G.
Protein change: p.Met679Val; replaces methionine 679 with valine.
Molecular consequence: missense variant.
Genome position (GRCh38, 1-based): chr15:75,689,030, T>C on the plus strand (A>G on the coding strand, the complement: CSPG4 is on the minus strand). VCF-style: chr15-75689030-T-C. GRCh37 (hg19) VCF-style: chr15-75981371-T-C.
Other names: short protein forms M679V.
Identifiers: ClinVar variation 2645575 (VCV002645575.24), dbSNP rs149648305, ClinGen allele CA7670439.